The following is an entry in ClinVar:

NM_000435.3(NOTCH3):c.634T>G (p.Cys212Gly)

Gene: NOTCH3 (notch receptor 3; minus strand). Cytogenetic location: 19p13.12.
Variant type: single nucleotide variant.
Coding change: c.634T>G on transcript NM_000435.3 (MANE Select); coding-DNA position 634, T replaced by G.
Protein change: p.Cys212Gly; replaces cysteine 212 with glycine.
Molecular consequence: missense variant.
Genome position (GRCh38, 1-based): chr19:15,192,005, A>C on the plus strand (T>G on the coding strand, the complement: NOTCH3 is on the minus strand). VCF-style: chr19-15192005-A-C. GRCh37 (hg19) VCF-style: chr19-15302816-A-C.
Other names: short protein forms C212G.
Identifiers: ClinVar variation 2915520 (VCV002915520.3), dbSNP rs1555729455, ClinGen allele CA404533222.

ClinVar aggregate classification (germline): Pathogenic (1 of 4 stars; one submission).

Submission:

Labcorp Genetics (formerly Invitae), Labcorp
Classification: Pathogenic. Last evaluated: 2023-10-05. Review status: criteria provided, single submitter. Criteria: Invitae Variant Classification Sherloc (09022015). Collection method: clinical testing. Allele origin: germline.
Comment: This sequence change replaces cysteine, which is neutral and slightly polar, with glycine, which is neutral and non-polar, at codon 212 of the NOTCH3 protein (p.Cys212Gly). This variant is not present in population databases (gnomAD no frequency). This missense change has been observed in individuals with cerebral arteriopathy with subcortical infarcts and leukoencephalopathy (PMID: 30402942, 31443546; Invitae). Advanced modeling of protein sequence and biophysical properties (such as structural, functional, and spatial information, amino acid conservation, physicochemical variation, residue mobility, and thermodynamic stability) performed at Invitae indicates that this missense variant is expected to disrupt NOTCH3 protein function. This variant disrupts the p.Cys212 amino acid residue in NOTCH3. Other variant(s) that disrupt this residue have been determined to be pathogenic (PMID: 21217157, 25604251). This suggests that this residue is clinically significant, and that variants that disrupt this residue are likely to be disease-causing. For these reasons, this variant has been classified as Pathogenic.

Literature cited by the submitters: PubMed 30402942; PubMed 31443546; PubMed 21217157; PubMed 25604251.